The following is an entry in ClinVar:

NM_000157.4(GBA1):c.1353_1354del (p.Tyr451_Lys452delinsTer)

Genes: GBA1 (glucosylceramidase beta 1; minus strand), LOC106627981 (GBA recombination region; plus strand). Cytogenetic location: 1q22.
Variant type: Deletion.
Coding change: c.1353_1354del on transcript NM_000157.4 (MANE Select); coding-DNA positions 1353 to 1354, 2 bases deleted (CA; older notation c.1353_1354delCA).
Protein change: p.Tyr451_Lys452delinsTer.
Molecular consequence: nonsense.
Genome position (GRCh38, 1-based): chr1:155,235,715-155,235,716, TG deleted on the plus strand (CA on the coding strand, the reverse complement: GBA1 is on the minus strand); deleting any 2 consecutive bases within chr1:155,235,715-155,235,717 gives the same sequence; the c. name uses the placement nearest the transcript's 3' end. VCF-style (leftmost placement, unchanged base first): chr1-155235714-TTG-T. GRCh37 (hg19) VCF-style: chr1-155205505-TTG-T.
Other names: c.1353_1354del, p.Tyr451_Lys452delinsTer (NM_001005741.3, NM_001005742.3); c.1092_1093del, p.Tyr364_Lys365delinsTer (NM_001171811.2); c.1206_1207del, p.Tyr402_Lys403delinsTer (NM_001171812.2).
Identifiers: ClinVar variation 4817716 (VCV004817716.1).

ClinVar aggregate classification (germline): Pathogenic (1 of 4 stars; one submission).

Conditions:
Gaucher disease. Also called: Acute cerebral Gaucher disease; Cerebroside lipidosis syndrome; Gaucher splenomegaly; Sphingolipidosis 1; Glucocerebrosidosis; Glucosylceramidase deficiency. Identifiers: Orphanet 355, MedGen C0017205, MONDO:0018150.

Submission:

Natera, Inc.
Classification: Pathogenic for Gaucher disease. Last evaluated: 2024-08-12. Review status: criteria provided, single submitter. Criteria: Natera Variant Classification Schema (03/2026). Collection method: clinical testing. Allele origin: germline.
Comment: The c.1353_1354delCA variant in GBA1 is a frameshift variant predicted to shift the reading frame and introduce a stop codon. This variant is expected to result in nonsense mediated decay, truncation, or a dysfunctional protein product. This variant is rare in the general population with a frequency below the threshold expected for the associated phenotype(s). This variant has been observed in one or more individuals affected with the associated recessive disease, as either homozygous or compound heterozygous with a second variant (PMID: 36506070). Given the available evidence, this variant is classified as Pathogenic.

Literature cited by the submitters: PubMed 36506070.